The following is an entry in ClinVar:

ClinVar aggregate classification (germline): Uncertain significance (1 of 4 stars; one submission).

Conditions:
Hereditary cancer-predisposing syndrome. Also called: Hereditary Cancer Syndrome; Hereditary neoplastic syndrome; Tumor predisposition; Neoplastic Syndromes, Hereditary. Identifiers: Orphanet 140162, MedGen C0027672, MeSH D009386, MONDO:0015356.

Submission:

Ambry Genetics
Classification: Uncertain significance for Hereditary cancer-predisposing syndrome. Last evaluated: 2022-01-24. Review status: criteria provided, single submitter. Criteria: Ambry Variant Classification Scheme 2023. Collection method: clinical testing. Allele origin: germline.
Comment: The p.G795V variant (also known as c.2384G>T), located in coding exon 14 of the PMS2 gene, results from a G to T substitution at nucleotide position 2384. The glycine at codon 795 is replaced by valine, an amino acid with dissimilar properties. This amino acid position is highly conserved in available vertebrate species. In addition, this alteration is predicted to be deleterious by in silico analysis. Since supporting evidence is limited at this time, the clinical significance of this alteration remains unclear.

NM_000535.7(PMS2):c.2384G>T (p.Gly795Val)

Gene: PMS2 (PMS1 homolog 2, mismatch repair system component; minus strand). Cytogenetic location: 7p22.1.
Variant type: single nucleotide variant.
Coding change: c.2384G>T on transcript NM_000535.7 (MANE Select); coding-DNA position 2384, G replaced by T.
Protein change: p.Gly795Val; replaces glycine 795 with valine.
Molecular consequence: missense variant. On other transcripts: non-coding transcript variant (1).
Genome position (GRCh38, 1-based): chr7:5,977,649, C>A on the plus strand (G>T on the coding strand, the complement: PMS2 is on the minus strand). VCF-style: chr7-5977649-C-A. GRCh37 (hg19) VCF-style: chr7-6017280-C-A.
Other names: c.1979G>T, p.Gly660Val (NM_001018040.1, NM_001322003.2, NM_001322004.2 and 12 more transcripts); c.2228G>T, p.Gly743Val (NM_001322006.2); c.2066G>T, p.Gly689Val (NM_001322007.2, NM_001322008.2, NM_001406883.1); c.2012G>T, p.Gly671Val (NM_001322009.2, NM_001406887.1, NM_001406888.1); c.1823G>T, p.Gly608Val (NM_001322010.2, NM_001406906.1, NM_001406907.1); c.1451G>T, p.Gly484Val (NM_001322011.2, NM_001322012.2); c.1811G>T, p.Gly604Val (NM_001322013.2, NM_001406908.1, NM_001406909.1); c.2417G>T, p.Gly806Val (NM_001322014.2); and 20 more; short protein forms G806V, G556V, G604V, G637V, G660V, G687V, G703V, G747V.
Identifiers: ClinVar variation 1790474 (VCV001790474.2), dbSNP rs786203838, ClinGen allele CA366735742.